The following is an entry in ClinVar:

NM_007215.4(POLG2):c.562+1G>C

Genes: MILR1 (mast cell immunoglobulin like receptor 1; plus strand), POLG2 (DNA polymerase gamma 2, accessory subunit; minus strand). Cytogenetic location: 17q23.3.
Variant type: single nucleotide variant.
Coding change: c.562+1G>C on transcript NM_007215.4 (MANE Select); the canonical splice donor site of the intron after coding-DNA position 562, G replaced by C.
Molecular consequence: splice donor variant.
Genome position (GRCh38, 1-based): chr17:64,496,406, C>G on the plus strand (G>C on the coding strand, the complement: POLG2 is on the minus strand). VCF-style: chr17-64496406-C-G. GRCh37 (hg19) VCF-style: chr17-62492524-C-G.
Identifiers: ClinVar variation 2757248 (VCV002757248.3), dbSNP rs2509559937, ClinGen allele CA400640668.
Genomic context (GRCh38, chr17:64,496,406, plus strand): 5'-GCAAGACTGCCTCGCCTTTCCACCCGACACCTGTTTTGAAGCATGAAATCGTGAAGCATA[C>G]CGTGAAGAAGGTTCTCCCGTAGTTTCCCAGAAGTTTTTAATACGTTCTCAAGAAATGCTA-3'

ClinVar aggregate classification (germline): Likely pathogenic (1 of 4 stars; one submission).

Submission:

Labcorp Genetics (formerly Invitae), Labcorp
Classification: Likely pathogenic. Last evaluated: 2023-09-01. Review status: criteria provided, single submitter. Criteria: Invitae Variant Classification Sherloc (09022015). Collection method: clinical testing. Allele origin: germline.
Comment: In summary, the currently available evidence indicates that the variant is pathogenic, but additional data are needed to prove that conclusively. Therefore, this variant has been classified as Likely Pathogenic. Algorithms developed to predict the effect of sequence changes on RNA splicing suggest that this variant may disrupt the consensus splice site. This variant has not been reported in the literature in individuals affected with POLG2-related conditions. This variant is not present in population databases (gnomAD no frequency). This sequence change affects a donor splice site in intron 1 of the POLG2 gene. It is expected to disrupt RNA splicing. Variants that disrupt the donor or acceptor splice site typically lead to a loss of protein function (PMID: 16199547), and loss-of-function variants in POLG2 are known to be pathogenic (PMID: 28078310, 29625556).

Literature cited by the submitters: PubMed 16199547; PubMed 28078310; PubMed 29625556.